The following is an entry in ClinVar:

NC_000001.11:g.(?_161314368)_(161362518_?)del

Gene: SDHC (succinate dehydrogenase complex subunit C; plus strand). Cytogenetic location: 1q23.3.
Variant type: Deletion.
Identifiers: ClinVar variation 831911 (VCV000831911.14).

ClinVar aggregate classification (germline): Pathogenic (1 of 4 stars; one submission).

Conditions:
Pheochromocytoma/paraganglioma syndrome 3. Also called: GLOMUS TUMORS, FAMILIAL, 3; Paragangliomas 3; SDHC-Related Hereditary Paraganglioma-Pheochromocytoma Syndrome (Paragangliomas 3); SDHC-Related Hereditary Paraganglioma-Pheochromocytoma Syndrome. Identifiers: Orphanet 29072, MedGen C1854336, MONDO:0011544, OMIM 605373.
Gastrointestinal stromal tumor. Also called: Gastrointestinal stromal tumor, somatic; Gastrointestinal stroma tumor. Identifiers: Orphanet 44890, MedGen C0238198, MeSH D046152, MONDO:0011719, OMIM 606764, HP:0100723.

Submission:

Labcorp Genetics (formerly Invitae), Labcorp
Classification: Pathogenic for Pheochromocytoma/paraganglioma syndrome 3; Gastrointestinal stromal tumor. Last evaluated: 2023-11-17. Review status: criteria provided, single submitter. Criteria: Invitae Variant Classification Sherloc (09022015). Collection method: clinical testing. Allele origin: germline.
Comment: A gross deletion of the genomic region encompassing the full coding sequence of the SDHC gene has been identified. Loss-of-function variants in SDHC are known to be pathogenic (PMID: 17667967, 19454582, 23282968, 24758179). The boundaries of this event are unknown as they extend beyond the assayed region for this gene and therefore may encompass additional genes. A similar copy number variant has been observed in individual(s) with metastatic paraganglioma (PMID: 26162468). For these reasons, this variant has been classified as Pathogenic.

Literature cited by the submitters: PubMed 17667967; PubMed 19454582; PubMed 23282968; PubMed 24758179; PubMed 26162468.